The following is an entry in ClinVar:

NC_000009.12:g.133060938C>T

Gene: CEL (carboxyl ester lipase; plus strand). Cytogenetic location: 9q34.13.
Variant type: single nucleotide variant.
Genome position: GRCh38 VCF-style: chr9-133060938-C-T. GRCh37 (hg19) VCF-style: chr9-135936325-C-T.
Identifiers: ClinVar variation 2659663 (VCV002659663.24), dbSNP rs541856133, ClinGen allele CA200916725.

ClinVar aggregate classification (germline): Likely benign (1 of 4 stars; one submission).

Allele frequency attached by ClinVar (database versions not stated): 1000 Genomes Project 0.00060; 1000 Genomes Project 30x 0.00109; TOPMed 0.00209; gnomAD 0.00247; gnomAD exomes 0.00398.

Submission:

CeGaT Center for Human Genetics Tuebingen
Classification: Likely benign. Last evaluated: 2023-02-01. Review status: criteria provided, single submitter. Criteria: CeGaT Center For Human Genetics Tuebingen Variant Classification Criteria Version 2. Collection method: clinical testing. Allele origin: germline. Affected: yes. Observed: 1 variant allele.
Comment: CEL: BS2